The following is an entry in ClinVar:

NC_000010.10:g.(?_18795390)_(18828653_?)dup

Gene: CACNB2 (calcium voltage-gated channel auxiliary subunit beta 2; plus strand). Cytogenetic location: 10p12.31.
Variant type: Duplication.
Identifiers: ClinVar variation 1004801 (VCV001004801.5).

ClinVar aggregate classification (germline): Uncertain significance (1 of 4 stars; one submission).

Conditions:
Brugada syndrome 4 (BRGDA4). Identifiers: Orphanet 130, MedGen C2678477, MONDO:0012743, OMIM 611876.

Submission:

Labcorp Genetics (formerly Invitae), Labcorp
Classification: Uncertain significance for Brugada syndrome 4. Last evaluated: 2020-08-18. Review status: criteria provided, single submitter. Criteria: Invitae Variant Classification Sherloc (09022015). Collection method: clinical testing. Allele origin: germline.
Comment: In summary, the available evidence is currently insufficient to determine the role of this variant in disease. Therefore, it has been classified as a Variant of Uncertain Significance. Experimental studies and prediction algorithms are not available or were not evaluated, and the functional significance of this variant is currently unknown. This variant has not been reported in the literature in individuals with CACNB2-related conditions. This variant results in a copy number gain of the genomic region encompassing exon(s) 5-13 of the CACNB2 gene. The 5' boundary is likely confined to intron 4. The 3' end of this event is unknown as it extends beyond the assayed region for this gene and therefore may encompass additional genes. As the precise location of this event is unknown, it may be in tandem or it may be located elsewhere in the genome.